The following is an entry in ClinVar:

NM_172351.3(CD46):c.527G>A (p.Ser176Asn)

Gene: CD46 (CD46 molecule; plus strand). Cytogenetic location: 1q32.2.
Variant type: single nucleotide variant.
Coding change: c.527G>A on transcript NM_172351.3 (MANE Select); coding-DNA position 527, G replaced by A.
Protein change: p.Ser176Asn; replaces serine 176 with asparagine.
Molecular consequence: missense variant.
Genome position (GRCh38, 1-based): chr1:207,761,300, G>A. VCF-style: chr1-207761300-G-A. GRCh37 (hg19) VCF-style: chr1-207934645-G-A.
Other names: c.527G>A, p.Ser176Asn (NM_002389.4, NM_153826.4, NM_172350.3 and 8 more transcripts); short protein forms S176N.
Identifiers: ClinVar variation 1476869 (VCV001476869.6), dbSNP rs1467611445, ClinGen allele CA344548889.
Genomic context (GRCh38, chr1:207,761,300, plus strand): 5'-ATTTTTAAGAGGTTTTGTGTACACCACCTCCAAAAATAAAAAATGGAAAACACACCTTTA[G>A]TGAAGTAGAAGTATTTGAGTATCTTGATGCAGTAACTTATAGTTGTGATCCTGCACCTGG-3'
Protein context (NP_758861.1, residues 166-186): PKIKNGKHTF[Ser176Asn]EVEVFEYLDA

ClinVar aggregate classification (germline): Uncertain significance (1 of 4 stars; one submission).

Submission:

Labcorp Genetics (formerly Invitae), Labcorp
Classification: Uncertain significance. Last evaluated: 2024-02-17. Review status: criteria provided, single submitter. Criteria: Invitae Variant Classification Sherloc (09022015). Collection method: clinical testing. Allele origin: germline.
Comment: This sequence change replaces serine, which is neutral and polar, with asparagine, which is neutral and polar, at codon 176 of the CD46 protein (p.Ser176Asn). This variant is not present in population databases (gnomAD no frequency). This variant has not been reported in the literature in individuals affected with CD46-related conditions. ClinVar contains an entry for this variant (Variation ID: 1476869). Advanced modeling of protein sequence and biophysical properties (such as structural, functional, and spatial information, amino acid conservation, physicochemical variation, residue mobility, and thermodynamic stability) performed at Invitae indicates that this missense variant is not expected to disrupt CD46 protein function with a negative predictive value of 80%. In summary, the available evidence is currently insufficient to determine the role of this variant in disease. Therefore, it has been classified as a Variant of Uncertain Significance.